The following is an entry in ClinVar:

NM_005732.4(RAD50):c.2641_2642del (p.Leu881fs)

Gene: RAD50 (RAD50 double strand break repair protein; plus strand). Cytogenetic location: 5q31.1.
Variant type: Deletion.
Coding change: c.2641_2642del on transcript NM_005732.4 (MANE Select); coding-DNA positions 2641 to 2642, 2 bases deleted (TT; older notation c.2641_2642delTT).
Protein change: p.Leu881fs; shifts the reading frame from leucine 881.
Molecular consequence: frameshift variant.
Genome position (GRCh38, 1-based): chr5:132,604,922-132,604,923, TT deleted; deleting any 2 consecutive bases within chr5:132,604,921-132,604,923 gives the same sequence; the c. name uses the placement nearest the transcript's 3' end. VCF-style (leftmost placement, unchanged base first): chr5-132604920-ATT-A. GRCh37 (hg19) VCF-style: chr5-131940612-ATT-A.
Other names: short protein forms L881fs.
Identifiers: ClinVar variation 1391522 (VCV001391522.6), dbSNP rs1174920993, ClinGen allele CA804009407.

ClinVar aggregate classification (germline): Pathogenic (1 of 4 stars; one submission).

Conditions:
Hereditary cancer-predisposing syndrome. Also called: Neoplastic Syndromes, Hereditary; Hereditary neoplastic syndrome; Tumor predisposition; Hereditary Cancer Syndrome. Identifiers: Orphanet 140162, MedGen C0027672, MeSH D009386, MONDO:0015356.

Submission:

Labcorp Genetics (formerly Invitae), Labcorp
Classification: Pathogenic for Hereditary cancer-predisposing syndrome. Last evaluated: 2022-01-03. Review status: criteria provided, single submitter. Criteria: Invitae Variant Classification Sherloc (09022015). Collection method: clinical testing. Allele origin: germline.
Comment: For these reasons, this variant has been classified as Pathogenic. This variant has not been reported in the literature in individuals affected with RAD50-related conditions. This variant is not present in population databases (gnomAD no frequency). This sequence change creates a premature translational stop signal (p.Leu881Alafs*16) in the RAD50 gene. It is expected to result in an absent or disrupted protein product. Loss-of-function variants in RAD50 are known to be pathogenic (PMID: 19409520).

Literature cited by the submitters: PubMed 19409520.